The following is an entry in ClinVar:

ClinVar aggregate classification (germline): Uncertain significance (1 of 4 stars; one submission).

gnomAD v4.1: 2 of 1,613,016 alleles (0.00012%); highest among the groups gnomAD compares: Admixed American, 0.0033%; no homozygotes.

Submission:

Labcorp Genetics (formerly Invitae), Labcorp
Classification: Uncertain significance. Last evaluated: 2025-02-07. Review status: criteria provided, single submitter. Criteria: Invitae Variant Classification Sherloc (09022015). Collection method: clinical testing. Allele origin: germline.
Comment: This sequence change replaces serine, which is neutral and polar, with tyrosine, which is neutral and polar, at codon 935 of the RIMS1 protein (p.Ser935Tyr). The frequency data for this variant in the population databases is considered unreliable, as metrics indicate poor data quality at this position in the gnomAD database. This variant has not been reported in the literature in individuals affected with RIMS1-related conditions. An algorithm developed to predict the effect of missense changes on protein structure and function (PolyPhen-2) suggests that this variant is likely to be tolerated. In summary, the available evidence is currently insufficient to determine the role of this variant in disease. Therefore, it has been classified as a Variant of Uncertain Significance.

NM_014989.7(RIMS1):c.2804C>A (p.Ser935Tyr)

Gene: RIMS1 (regulating synaptic membrane exocytosis 1; plus strand). Cytogenetic location: 6q13.
Variant type: single nucleotide variant.
Coding change: c.2804C>A on transcript NM_014989.7 (MANE Select); coding-DNA position 2804, C replaced by A.
Protein change: p.Ser935Tyr; replaces serine 935 with tyrosine.
Molecular consequence: missense variant.
Genome position (GRCh38, 1-based): chr6:72,258,158, C>A. VCF-style: chr6-72258158-C-A. GRCh37 (hg19) VCF-style: chr6-72967861-C-A.
Other names: c.980C>A, p.Ser327Tyr (NM_001350463.2, NM_001350468.2, NM_001350461.2); c.983C>A, p.Ser328Tyr (NM_001350464.2, NM_001350465.2, NM_001350466.2 and 3 more transcripts); c.1181C>A, p.Ser394Tyr (NM_001350470.2, NM_001350473.2, NM_001350474.2 and 1 more transcripts); c.1154C>A, p.Ser385Tyr (NM_001350471.2, NM_001350421.2, NM_001350430.2 and 2 more transcripts); c.1178C>A, p.Ser393Tyr (NM_001350472.2); c.1223C>A, p.Ser408Tyr (NM_001168407.2, NM_001350415.2, NM_001350418.2 and 19 more transcripts); c.1226C>A, p.Ser409Tyr (NM_001168408.2, NM_001350414.2, NM_001350416.2 and 15 more transcripts); c.1157C>A, p.Ser386Tyr (NM_001350424.2, NM_001350428.2, NM_001350459.2 and 1 more transcripts); short protein forms S328Y, S385Y, S393Y, S408Y, S935Y, S394Y, S409Y, S327Y.
Identifiers: ClinVar variation 3684599 (VCV003684599.2).